The following is an entry in ClinVar:

NM_001629.4(ALOX5AP):c.378C>T (p.Ser126=)

Gene: ALOX5AP (arachidonate 5-lipoxygenase activating protein; plus strand). Cytogenetic location: 13q12.3.
Variant type: single nucleotide variant.
Coding change: c.378C>T on transcript NM_001629.4 (MANE Select); coding-DNA position 378, C replaced by T.
Protein change: p.Ser126=; no amino-acid change (serine 126 retained).
Molecular consequence: synonymous variant.
Genome position (GRCh38, 1-based): chr13:30,763,998, C>T. VCF-style: chr13-30763998-C-T. GRCh37 (hg19) VCF-style: chr13-31338135-C-T.
Other names: c.549C>T, p.Ser183= (NM_001204406.2).
Identifiers: ClinVar variation 3778096 (VCV003778096.7).

ClinVar aggregate classification (germline): Likely benign (1 of 4 stars; one submission).

gnomAD v4.1: 71 of 1,614,126 alleles (0.0044%); highest among the groups gnomAD compares: South Asian, 0.052%; 1 homozygote.

Submission:

CeGaT Center for Human Genetics Tuebingen
Classification: Likely benign. Last evaluated: 2025-03-01. Review status: criteria provided, single submitter. Criteria: CeGaT Center For Human Genetics Tuebingen Variant Classification Criteria Version 2. Collection method: clinical testing. Allele origin: germline. Affected: yes. Observed: 1 variant allele.
Comment: ALOX5AP: BP4, BP7